The following is an entry in ClinVar:

ClinVar aggregate classification (germline): Uncertain significance. Review status: criteria provided, multiple submitters, no conflicts (2 of 4 stars). 3 submissions from 3 submitters: Uncertain significance (2). 1 of the submissions does not count toward it. Last evaluated 2023-07-19.

Conditions:
Inborn genetic diseases. Identifiers: MedGen C0950123, MeSH D030342.
Glycogen storage disease type III (GSD3). Also called: FORBES DISEASE; Cori disease. Identifiers: Orphanet 366, MedGen C0017922, MONDO:0009291, OMIM 232400.

Allele frequency attached by ClinVar (database versions not stated): TOPMed below 0.00001.
gnomAD v4.1: 12 of 1,611,874 alleles (0.00074%); highest among the groups gnomAD compares: South Asian, 0.012%; no homozygotes.

Submissions (3):

Ambry Genetics
Classification: Uncertain significance for Inborn genetic diseases. Last evaluated: 2023-07-19. Review status: criteria provided, single submitter. Criteria: Ambry Variant Classification Scheme 2023. Collection method: clinical testing. Allele origin: germline.

Labcorp Genetics (formerly Invitae), Labcorp
Classification: Uncertain significance for Glycogen storage disease type III. Last evaluated: 2021-11-02. Review status: criteria provided, single submitter. Criteria: Invitae Variant Classification Sherloc (09022015). Collection method: clinical testing. Allele origin: germline.
Comment: This sequence change replaces alanine, which is neutral and non-polar, with glycine, which is neutral and non-polar, at codon 1319 of the AGL protein (p.Ala1319Gly). This variant is present in population databases (no rsID available, gnomAD 0.006%). This variant has not been reported in the literature in individuals affected with AGL-related conditions. ClinVar contains an entry for this variant (Variation ID: 1037899). Algorithms developed to predict the effect of missense changes on protein structure and function (SIFT, PolyPhen-2, Align-GVGD) all suggest that this variant is likely to be tolerated. Algorithms developed to predict the effect of sequence changes on RNA splicing suggest that this variant may create or strengthen a splice site. In summary, the available evidence is currently insufficient to determine the role of this variant in disease. Therefore, it has been classified as a Variant of Uncertain Significance.

Natera, Inc.
Classification: Uncertain significance for Glycogen storage disease type III. Last evaluated: 2020-02-13. Review status: no assertion criteria provided. Collection method: clinical testing. Allele origin: germline. Not counted in ClinVar's aggregate classification.

NM_000642.3(AGL):c.3956C>G (p.Ala1319Gly)

Gene: AGL (amylo-alpha-1,6-glucosidase and 4-alpha-glucanotransferase; plus strand). Cytogenetic location: 1p21.2.
Variant type: single nucleotide variant.
Coding change: c.3956C>G on transcript NM_000642.3 (MANE Select); coding-DNA position 3956, C replaced by G.
Protein change: p.Ala1319Gly; replaces alanine 1319 with glycine.
Molecular consequence: missense variant.
Genome position (GRCh38, 1-based): chr1:99,913,533, C>G. VCF-style: chr1-99913533-C-G. GRCh37 (hg19) VCF-style: chr1-100379089-C-G.
Other names: c.3956C>G, p.Ala1319Gly (NM_000028.3, NM_000643.3, NM_000644.3 and 1 more transcripts); c.3908C>G, p.Ala1303Gly (NM_000646.3); c.3935C>G, p.Ala1312Gly (NM_001425326.1); c.3755C>G, p.Ala1252Gly (NM_001425327.1); c.3752C>G, p.Ala1251Gly (NM_001425328.1); c.3617C>G, p.Ala1206Gly (NM_001425329.1); c.3578C>G, p.Ala1193Gly (NM_001425332.1); c.3956C>G (NM_000642.2); short protein forms A1303G, A1319G, A1193G, A1206G, A1251G, A1252G, A1312G.
Identifiers: ClinVar variation 1037899 (VCV001037899.9), dbSNP rs756393699, ClinGen allele CA341339343.